The following is an entry in ClinVar:

NM_032119.4(ADGRV1):c.10651G>C (p.Val3551Leu)

Gene: ADGRV1 (adhesion G protein-coupled receptor V1; plus strand). Cytogenetic location: 5q14.3.
Variant type: single nucleotide variant.
Coding change: c.10651G>C on transcript NM_032119.4 (MANE Select); coding-DNA position 10651, G replaced by C.
Protein change: p.Val3551Leu; replaces valine 3551 with leucine.
Molecular consequence: missense variant. On other transcripts: non-coding transcript variant (1).
Genome position (GRCh38, 1-based): chr5:90,745,147, G>C. VCF-style: chr5-90745147-G-C. GRCh37 (hg19) VCF-style: chr5-90040964-G-C.
Other names: short protein forms V3551L.
Identifiers: ClinVar variation 2131460 (VCV002131460.4), dbSNP rs2531538891, ClinGen allele CA360408041.
Genomic context (GRCh38, chr5:90,745,147, plus strand): 5'-TGCTGGAATTCGGAGCGTAATCAATTCTCTTTTGTTCTGGAAGTACCTTCTGCTTATGAT[G>C]TGGCTTCTGTTACAGTAAAGTCCCTTAATTCAAGCAAGAATTTAATAGCTCTAGTGGGAG-3'
Protein context (NP_115495.3, residues 3541-3561): FVLEVPSAYD[Val3551Leu]ASVTVKSLNS

ClinVar aggregate classification (germline): Uncertain significance (1 of 4 stars; one submission).

Submission:

Labcorp Genetics (formerly Invitae), Labcorp
Classification: Uncertain significance. Last evaluated: 2023-10-13. Review status: criteria provided, single submitter. Criteria: Invitae Variant Classification Sherloc (09022015). Collection method: clinical testing. Allele origin: germline.
Comment: This sequence change replaces valine, which is neutral and non-polar, with leucine, which is neutral and non-polar, at codon 3551 of the ADGRV1 protein (p.Val3551Leu). This variant is not present in population databases (gnomAD no frequency). This variant has not been reported in the literature in individuals affected with ADGRV1-related conditions. ClinVar contains an entry for this variant (Variation ID: 2131460). Advanced modeling of protein sequence and biophysical properties (such as structural, functional, and spatial information, amino acid conservation, physicochemical variation, residue mobility, and thermodynamic stability) performed at Invitae indicates that this missense variant is not expected to disrupt ADGRV1 protein function. In summary, the available evidence is currently insufficient to determine the role of this variant in disease. Therefore, it has been classified as a Variant of Uncertain Significance.